The following is an entry in ClinVar:

NM_001267550.2(TTN):c.11499G>A (p.Met3833Ile)

Gene: TTN (titin; minus strand). Cytogenetic location: 2q31.2.
Variant type: single nucleotide variant.
Coding change: c.11499G>A on transcript NM_001267550.2 (MANE Select); coding-DNA position 11499, G replaced by A.
Protein change: p.Met3833Ile; replaces methionine 3833 with isoleucine.
Molecular consequence: missense variant. On other transcripts: intron variant (1).
Genome position (GRCh38, 1-based): chr2:178,741,734, C>T on the plus strand (G>A on the coding strand, the complement: TTN is on the minus strand). VCF-style: chr2-178741734-C-T. GRCh37 (hg19) VCF-style: chr2-179606461-C-T.
Other names: c.10548G>A, p.Met3516Ile (NM_001256850.1); c.10410G>A, p.Met3470Ile (NM_003319.4); c.10785G>A, p.Met3595Ile (NM_133432.3); c.10986G>A, p.Met3662Ile (NM_133437.4); c.10361-3374G>A (NM_133378.4); short protein forms M3516I, M3833I, M3662I, M3470I, M3595I.
Identifiers: ClinVar variation 513025 (VCV000513025.1), dbSNP rs756868500, ClinGen allele CA2002848.

ClinVar aggregate classification (germline): Likely benign (1 of 4 stars; one submission).

Allele frequency attached by ClinVar (database versions not stated): gnomAD 0.00001; gnomAD exomes 0.00001 and 0.00002; TOPMed 0.00001; ExAC 0.00003.
gnomAD v4.1: 8 of 1,613,562 alleles (0.0005%); highest among the groups gnomAD compares: Admixed American, 0.012%; no homozygotes.

Submission:

GeneDx
Classification: Likely benign. Last evaluated: 2017-10-26. Review status: criteria provided, single submitter. Criteria: GeneDx Variant Classification (06012015). Collection method: clinical testing. Allele origin: germline. Affected: yes.
Comment: This variant is considered likely benign or benign based on one or more of the following criteria: it is a conservative change, it occurs at a poorly conserved position in the protein, it is predicted to be benign by multiple in silico algorithms, and/or has population frequency not consistent with disease.